The following is an entry in ClinVar:

ClinVar aggregate classification (germline): Uncertain significance. Review status: criteria provided, multiple submitters, no conflicts (2 of 4 stars). 2 submissions from 2 submitters: Uncertain significance (2). Last evaluated 2025-08-22.

Conditions:
Inborn genetic diseases. Identifiers: MedGen C0950123, MeSH D030342.

Allele frequency attached by ClinVar (database versions not stated): gnomAD exomes below 0.00001; TOPMed below 0.00001; gnomAD 0.00001.

Submissions (2):

Ambry Genetics
Classification: Uncertain significance for Inborn genetic diseases. Last evaluated: 2025-08-22. Review status: criteria provided, single submitter. Criteria: Ambry Variant Classification Scheme 2023. Collection method: clinical testing. Allele origin: germline.

Labcorp Genetics (formerly Invitae), Labcorp
Classification: Uncertain significance. Last evaluated: 2024-05-20. Review status: criteria provided, single submitter. Criteria: Invitae Variant Classification Sherloc (09022015). Collection method: clinical testing. Allele origin: germline.
Comment: This sequence change replaces methionine, which is neutral and non-polar, with isoleucine, which is neutral and non-polar, at codon 14 of the EIF2B1 protein (p.Met14Ile). This variant is not present in population databases (gnomAD no frequency). This variant has not been reported in the literature in individuals affected with EIF2B1-related conditions. ClinVar contains an entry for this variant (Variation ID: 1345195). Advanced modeling of protein sequence and biophysical properties (such as structural, functional, and spatial information, amino acid conservation, physicochemical variation, residue mobility, and thermodynamic stability) performed at Invitae indicates that this missense variant is not expected to disrupt EIF2B1 protein function with a negative predictive value of 80%. In summary, the available evidence is currently insufficient to determine the role of this variant in disease. Therefore, it has been classified as a Variant of Uncertain Significance.

NM_001414.4(EIF2B1):c.42G>A (p.Met14Ile)

Gene: EIF2B1 (eukaryotic translation initiation factor 2B subunit alpha; minus strand). Cytogenetic location: 12q24.31.
Variant type: single nucleotide variant.
Coding change: c.42G>A on transcript NM_001414.4 (MANE Select); coding-DNA position 42, G replaced by A.
Protein change: p.Met14Ile; replaces methionine 14 with isoleucine.
Molecular consequence: missense variant.
Genome position (GRCh38, 1-based): chr12:123,632,418, C>T on the plus strand (G>A on the coding strand, the complement: EIF2B1 is on the minus strand). VCF-style: chr12-123632418-C-T. GRCh37 (hg19) VCF-style: chr12-124116965-C-T.
Other names: c.42G>A (NM_001414.3); short protein forms M14I.
Identifiers: ClinVar variation 1345195 (VCV001345195.8), dbSNP rs1955201136, ClinGen allele CA387147399.